The following is an entry in ClinVar:

ClinVar aggregate classification (germline): Pathogenic (0 of 4 stars; one submission).

Conditions:
Hypohidrotic X-linked ectodermal dysplasia (XHED). Also called: ECTODERMAL DYSPLASIA 1; Ectodermal Dysplasia 1, Anhidrotic; ECTODERMAL DYSPLASIA, HYPOHIDROTIC, 1; CST SYNDROME; Anhidrotic ectodermal dysplasia X-linked; Christ Siemens Touraine syndrome. Identifiers: Orphanet 181, Orphanet 238468, MedGen C0162359, MONDO:0010585, OMIM 305100.

Submission:

Department of Pediatric and Adolescent Medicine, University of Erlangen
Classification: Pathogenic for Hypohidrotic X-linked ectodermal dysplasia. Last evaluated: 2025-01-07. Review status: no assertion criteria provided. Collection method: clinical testing. Allele origin: germline. Affected: yes.

NM_001399.5(EDA):c.784G>T (p.Val262Phe)

Gene: EDA (ectodysplasin A; plus strand). Cytogenetic location: Xq13.1.
Variant type: single nucleotide variant.
Coding change: c.784G>T on transcript NM_001399.5 (MANE Select); coding-DNA position 784, G replaced by T.
Protein change: p.Val262Phe; replaces valine 262 with phenylalanine.
Molecular consequence: missense variant.
Genome position (GRCh38, 1-based): chrX:70,030,511, G>T. VCF-style: chrX-70030511-G-T. GRCh37 (hg19) VCF-style: chrX-69250361-G-T.
Other names: c.784G>T, p.Val262Phe (NM_001005609.2, NM_001005612.3, NM_001440761.1 and 1 more transcripts); short protein forms V262F.
Identifiers: ClinVar variation 4884867 (VCV004884867.1).
Genomic context (GRCh38, chrX:70,030,511, plus strand): 5'-TCCTTCTCATCCTGCCAGCCAGCTGTGGTGCATCTACAGGGCCAAGGGTCAGCAATTCAA[G>T]TCAAGAATGGTAAGAATCAAAATAGGCTCTCTCCCAAAGAGGAGCTTCTCCCCTGCCTCC-3'
Protein context (NP_001390.1, residues 252-272): HLQGQGSAIQ[Val262Phe]KNDLSGGVLN